The following is an entry in ClinVar:

NM_001005373.4(LRSAM1):c.1993C>G (p.Pro665Ala)

Gene: LRSAM1 (leucine rich repeat and sterile alpha motif containing 1; plus strand). Cytogenetic location: 9q34.11.
Variant type: single nucleotide variant.
Coding change: c.1993C>G on transcript NM_001005373.4 (MANE Select); coding-DNA position 1993, C replaced by G.
Protein change: p.Pro665Ala; replaces proline 665 with alanine.
Molecular consequence: missense variant. On other transcripts: non-coding transcript variant (2).
Genome position (GRCh38, 1-based): chr9:127,501,090, C>G. VCF-style: chr9-127501090-C-G. GRCh37 (hg19) VCF-style: chr9-130263369-C-G.
Other names: c.1993C>G, p.Pro665Ala (NM_001005374.4, NM_001384142.1, NM_138361.5); c.1912C>G, p.Pro638Ala (NM_001190723.3); c.1894C>G, p.Pro632Ala (NM_001384143.1); c.1204C>G, p.Pro402Ala (NM_001384144.1); short protein forms P638A, P665A, P402A, P632A.
Identifiers: ClinVar variation 948931 (VCV000948931.9), dbSNP rs749204843, ClinGen allele CA5247222.

ClinVar aggregate classification (germline): Uncertain significance (1 of 4 stars; one submission).

Conditions:
Charcot-Marie-Tooth disease axonal type 2P. Also called: Charcot-Marie-Tooth Neuropathy Type 2G; CHARCOT-MARIE-TOOTH DISEASE, AXONAL, TYPE 2G; CMT 2G; CHARCOT-MARIE-TOOTH NEUROPATHY, TYPE 2P. Identifiers: Orphanet 300319, Orphanet 99941, MedGen C3280797, MONDO:0013753, OMIM 614436.

Allele frequency attached by ClinVar (database versions not stated): gnomAD 0.00001; gnomAD exomes 0.00001; TOPMed 0.00001.
gnomAD v4.1: 9 of 1,613,878 alleles (0.00056%); highest among the groups gnomAD compares: Admixed American, 0.013%; no homozygotes.

Submission:

Labcorp Genetics (formerly Invitae), Labcorp
Classification: Uncertain significance for Charcot-Marie-Tooth disease axonal type 2P. Last evaluated: 2019-05-08. Review status: criteria provided, single submitter. Criteria: Invitae Variant Classification Sherloc (09022015). Collection method: clinical testing. Allele origin: germline.
Comment: This variant is present in population databases (rs749204843, ExAC 0.02%). In summary, the available evidence is currently insufficient to determine the role of this variant in disease. Therefore, it has been classified as a Variant of Uncertain Significance. Algorithms developed to predict the effect of missense changes on protein structure and function (SIFT, PolyPhen-2, Align-GVGD) all suggest that this variant is likely to be tolerated, but these predictions have not been confirmed by published functional studies and their clinical significance is uncertain. This variant has not been reported in the literature in individuals with LRSAM1-related conditions. This sequence change replaces proline with alanine at codon 665 of the LRSAM1 protein (p.Pro665Ala). The proline residue is moderately conserved and there is a small physicochemical difference between proline and alanine.